The following is an entry in ClinVar:

ClinVar aggregate classification (germline): Uncertain significance (1 of 4 stars; one submission).

Allele frequency attached by ClinVar (database versions not stated): gnomAD exomes below 0.00001.

Submission:

Labcorp Genetics (formerly Invitae), Labcorp
Classification: Uncertain significance. Last evaluated: 2023-08-17. Review status: criteria provided, single submitter. Criteria: Invitae Variant Classification Sherloc (09022015). Collection method: clinical testing. Allele origin: germline.
Comment: This sequence change replaces serine, which is neutral and polar, with leucine, which is neutral and non-polar, at codon 89 of the DVL1 protein (p.Ser89Leu). The frequency data for this variant in the population databases is considered unreliable, as metrics indicate poor data quality at this position in the gnomAD database. In summary, the available evidence is currently insufficient to determine the role of this variant in disease. Therefore, it has been classified as a Variant of Uncertain Significance. Advanced modeling of protein sequence and biophysical properties (such as structural, functional, and spatial information, amino acid conservation, physicochemical variation, residue mobility, and thermodynamic stability) performed at Invitae indicates that this missense variant is not expected to disrupt DVL1 protein function. ClinVar contains an entry for this variant (Variation ID: 1363260). This variant has not been reported in the literature in individuals affected with DVL1-related conditions.

NM_001330311.2(DVL1):c.266C>T (p.Ser89Leu)

Gene: DVL1 (dishevelled segment polarity protein 1; minus strand). Cytogenetic location: 1p36.33.
Variant type: single nucleotide variant.
Coding change: c.266C>T on transcript NM_001330311.2 (MANE Select); coding-DNA position 266, C replaced by T.
Protein change: p.Ser89Leu; replaces serine 89 with leucine.
Molecular consequence: missense variant.
Genome position (GRCh38, 1-based): chr1:1,342,459, G>A on the plus strand (C>T on the coding strand, the complement: DVL1 is on the minus strand). VCF-style: chr1-1342459-G-A. GRCh37 (hg19) VCF-style: chr1-1277839-G-A.
Other names: c.266C>T, p.Ser89Leu (NM_004421.3); short protein forms S89L.
Identifiers: ClinVar variation 1363260 (VCV001363260.6), dbSNP rs1418499998, ClinGen allele CA337876051.